The following is an entry in ClinVar:

ClinVar aggregate classification (germline): Uncertain significance (1 of 4 stars; one submission).

Submission:

GeneDx
Classification: Uncertain significance. Last evaluated: 2024-09-04. Review status: criteria provided, single submitter. Criteria: GeneDx Variant Classification Process June 2021. Collection method: clinical testing. Allele origin: germline. Affected: yes.
Comment: Frameshift variant predicted to result in abnormal protein length as the last 142 amino acid(s) are replaced with 92 different amino acid(s) with an unclear effect on protein function; Not observed at significant frequency in large population cohorts (gnomAD); Has not been previously published as pathogenic or benign to our knowledge

NM_001135649.3(FOXI3):c.834dup (p.Ser279fs)

Gene: FOXI3 (forkhead box I3; minus strand). Cytogenetic location: 2p11.2.
Variant type: Duplication.
Coding change: c.834dup on transcript NM_001135649.3 (MANE Select); coding-DNA position 834, one base duplicated (C; older notation c.834dupC).
Protein change: p.Ser279fs; shifts the reading frame from serine 279.
Molecular consequence: frameshift variant.
Genome position (GRCh38, 1-based): chr2:88,448,636, G duplicated on the plus strand (C on the coding strand, the reverse complement: FOXI3 is on the minus strand); the first of 4 consecutive G bases (chr2:88,448,636-88,448,639); duplicating any one gives the same sequence. VCF-style (leftmost placement, unchanged base first): chr2-88448635-A-AG. GRCh37 (hg19) VCF-style: chr2-88748154-A-AG.
Other names: short protein forms S279fs.
Identifiers: ClinVar variation 3767438 (VCV003767438.1).